The following is an entry in ClinVar:

ClinVar aggregate classification (germline): Pathogenic/Likely pathogenic. Review status: criteria provided, multiple submitters, no conflicts (2 of 4 stars). 2 submissions from 2 submitters: Pathogenic (1); Likely pathogenic (1). Last evaluated 2025-10-02.

Conditions:
ACVRL1-related disorder. Also called: ACVRL1-related disorders; ACVRL1-related condition.
Telangiectasia, hereditary hemorrhagic, type 2 (HHT2). Also called: ACVRL1-Related Hereditary Hemorrhagic Telangiectasia; Telangiectasia, hereditary hemorrhagic, type II. Identifiers: Orphanet 774, MedGen C1838163, MONDO:0010880, OMIM 600376. Disease mechanism: loss of function.

Submissions (2):

Labcorp Genetics (formerly Invitae), Labcorp
Classification: Pathogenic for Telangiectasia, hereditary hemorrhagic, type 2. Last evaluated: 2025-10-02. Review status: criteria provided, single submitter. Criteria: Invitae Variant Classification Sherloc (09022015). Collection method: clinical testing. Allele origin: germline.
Comment: This sequence change replaces leucine, which is neutral and non-polar, with proline, which is neutral and non-polar, at codon 342 of the ACVRL1 protein (p.Leu342Pro). This variant is not present in population databases (gnomAD no frequency). This missense change has been observed in individuals with clinical features of hereditary hemorrhagic telangiectasia (HHT) (PMID: 20414677; internal data). ClinVar contains an entry for this variant (Variation ID: 639147). Invitae Evidence Modeling of protein sequence and biophysical properties (such as structural, functional, and spatial information, amino acid conservation, physicochemical variation, residue mobility, and thermodynamic stability) has been performed for this missense variant. However, the output from this modeling did not meet the statistical confidence thresholds required to predict the impact of this variant on ACVRL1 protein function. For these reasons, this variant has been classified as Pathogenic.

Blueprint Genetics
Classification: Likely pathogenic for ACVRL1-related disorders. Last evaluated: 2022-11-28. Review status: criteria provided, single submitter. Criteria: ACMG Guidelines, 2015. Collection method: clinical testing. Allele origin: germline. Affected: yes. Observed: 5 variant alleles.

Literature cited by the submitters: PubMed 20414677 (cited by Labcorp Genetics (formerly Invitae), Labcorp).

NM_000020.3(ACVRL1):c.1025T>C (p.Leu342Pro)

Gene: ACVRL1 (activin A receptor like type 1; plus strand). Cytogenetic location: 12q13.13.
Variant type: single nucleotide variant.
Coding change: c.1025T>C on transcript NM_000020.3 (MANE Select); coding-DNA position 1025, T replaced by C.
Protein change: p.Leu342Pro; replaces leucine 342 with proline.
Molecular consequence: missense variant.
Genome position (GRCh38, 1-based): chr12:51,915,477, T>C. VCF-style: chr12-51915477-T-C. GRCh37 (hg19) VCF-style: chr12-52309261-T-C.
Other names: c.1025T>C, p.Leu342Pro (NM_001077401.2); short protein forms L342P.
Identifiers: ClinVar variation 639147 (VCV000639147.9), dbSNP rs762287966, ClinGen allele CA384901711.